The following is an entry in ClinVar:

NM_000069.3(CACNA1S):c.76A>G (p.Arg26Gly)

Gene: CACNA1S (calcium voltage-gated channel subunit alpha1 S; minus strand). Cytogenetic location: 1q32.1.
Variant type: single nucleotide variant.
Coding change: c.76A>G on transcript NM_000069.3 (MANE Select); coding-DNA position 76, A replaced by G.
Protein change: p.Arg26Gly; replaces arginine 26 with glycine.
Molecular consequence: missense variant.
Genome position (GRCh38, 1-based): chr1:201,112,264, T>C on the plus strand (A>G on the coding strand, the complement: CACNA1S is on the minus strand). VCF-style: chr1-201112264-T-C. GRCh37 (hg19) VCF-style: chr1-201081392-T-C.
Other names: short protein forms R26G.
Identifiers: ClinVar variation 5017323 (VCV005017323.1).

ClinVar aggregate classification (germline): Uncertain significance (1 of 4 stars; one submission).

Submission:

GeneDx
Classification: Uncertain significance. Last evaluated: 2026-04-01. Review status: criteria provided, single submitter. Criteria: GeneDx Variant Classification Process June 2021. Collection method: clinical testing. Allele origin: germline.
Comment: Not observed at significant frequency in large population cohorts (gnomAD); In silico analysis supports that this missense variant has a deleterious effect on protein structure/function; Has not been previously published as pathogenic or benign to our knowledge